The following is an entry in ClinVar:

ClinVar aggregate classification (germline): Likely benign. Review status: criteria provided, single submitter (1 of 4 stars). 2 submissions from 2 submitters: Likely benign (1). 1 of the submissions does not count toward it. Last evaluated 2025-06-11.

Conditions:
Mitochondrial hypertrophic cardiomyopathy with lactic acidosis due to MTO1 deficiency. Also called: CARDIOMYOPATHY, INFANTILE HYPERTROPHIC MITOCHONDRIAL, AND LACTIC ACIDOSIS; Combined oxidative phosphorylation deficiency 10. Identifiers: Orphanet 314637, MedGen C4749921, MONDO:0013865, OMIM 614702.
MTO1-related disorder. Also called: MTO1-related condition.

Allele frequency attached by ClinVar (database versions not stated): gnomAD 0.00001; gnomAD exomes 0.00002; TOPMed 0.00002.

Submissions (2):

Labcorp Genetics (formerly Invitae), Labcorp
Classification: Likely benign for Mitochondrial hypertrophic cardiomyopathy with lactic acidosis due to MTO1 deficiency. Last evaluated: 2025-06-11. Review status: criteria provided, single submitter. Criteria: Invitae Variant Classification Sherloc (09022015). Collection method: clinical testing. Allele origin: germline.

PreventionGenetics, part of Exact Sciences
Classification: Likely benign for MTO1-related condition. Last evaluated: 2019-09-26. Review status: no assertion criteria provided. Collection method: clinical testing. Allele origin: germline. Not counted in ClinVar's aggregate classification.
Comment: This variant is classified as likely benign based on ACMG/AMP sequence variant interpretation guidelines (Richards et al. 2015 PMID: 25741868, with internal and published modifications).

NM_012123.4(MTO1):c.1626T>C (p.Ser542=)

Gene: MTO1 (mitochondrial tRNA translation optimization 1; plus strand). Cytogenetic location: 6q13.
Variant type: single nucleotide variant.
Coding change: c.1626T>C on transcript NM_012123.4 (MANE Select); coding-DNA position 1626, T replaced by C.
Protein change: p.Ser542=; no amino-acid change (serine 542 retained).
Molecular consequence: synonymous variant.
Genome position (GRCh38, 1-based): chr6:73,482,609, T>C. VCF-style: chr6-73482609-T-C. GRCh37 (hg19) VCF-style: chr6-74192332-T-C.
Other names: c.1746T>C, p.Ser582= (NM_001123226.2); c.1701T>C, p.Ser567= (NM_133645.3); c.1626T>C (NM_012123.3).
Identifiers: ClinVar variation 1596971 (VCV001596971.10), dbSNP rs759376061, ClinGen allele CA3889694.